The following is an entry in ClinVar:

ClinVar aggregate classification (germline): Uncertain significance (1 of 4 stars; one submission).

Submission:

Labcorp Genetics (formerly Invitae), Labcorp
Classification: Uncertain significance. Last evaluated: 2025-02-26. Review status: criteria provided, single submitter. Criteria: Invitae Variant Classification Sherloc (09022015). Collection method: clinical testing. Allele origin: germline.
Comment: This sequence change replaces arginine, which is basic and polar, with glycine, which is neutral and non-polar, at codon 366 of the KCNK4 protein (p.Arg366Gly). Information on the frequency of this variant in the gnomAD database is not available, as this variant may be reported differently in the database. This variant has not been reported in the literature in individuals affected with KCNK4-related conditions. ClinVar contains an entry for this variant (Variation ID: 1385290). Experimental studies and prediction algorithms are not available or were not evaluated, and the functional significance of this variant is currently unknown. In summary, the available evidence is currently insufficient to determine the role of this variant in disease. Therefore, it has been classified as a Variant of Uncertain Significance.

NM_033310.3(KCNK4):c.1095_1096delinsTG (p.Arg366Gly)

Genes: KCNK4-CATSPERZ (KCNK4-CATSPERZ readthrough (NMD candidate); plus strand), KCNK4 (potassium two pore domain channel subfamily K member 4; plus strand). Cytogenetic location: 11q13.1.
Variant type: Indel.
Coding change: c.1095_1096delinsTG on transcript NM_033310.3 (MANE Select); coding-DNA positions 1095 to 1096, GA replaced by TG.
Protein change: p.Arg366Gly; replaces arginine 366 with glycine.
Molecular consequence: missense variant. On other transcripts: non-coding transcript variant (3).
Genome position (GRCh38, 1-based): chr11:64,299,639-64,299,640, GA replaced by TG. VCF-style: chr11-64299639-GA-TG. GRCh37 (hg19) VCF-style: chr11-64067111-GA-TG.
Other names: c.1095_1096delinsTG, p.Arg366Gly (NM_001317090.2); short protein forms R366G.
Identifiers: ClinVar variation 1385290 (VCV001385290.6), dbSNP rs2135237081, ClinGen allele CA2573147406.